The following is an entry in ClinVar:

NM_022436.3(ABCG5):c.1347C>T (p.Ser449=)

Genes: ABCG5 (ATP binding cassette subfamily G member 5; minus strand), DYNC2LI1 (dynein cytoplasmic 2 light intermediate chain 1; plus strand). Cytogenetic location: 2p21.
Variant type: single nucleotide variant.
Coding change: c.1347C>T on transcript NM_022436.3 (MANE Select); coding-DNA position 1347, C replaced by T.
Protein change: p.Ser449=; no amino-acid change (serine 449 retained).
Molecular consequence: synonymous variant. On other transcripts: intron variant (2).
Genome position (GRCh38, 1-based): chr2:43,822,913, G>A on the plus strand (C>T on the coding strand, the complement: ABCG5 is on the minus strand). VCF-style: chr2-43822913-G-A. GRCh37 (hg19) VCF-style: chr2-44050052-G-A.
Other names: p.Ser449=; c.*16-4473G>A (NM_001348913.2, NM_001348912.2).
Identifiers: ClinVar variation 501086 (VCV000501086.17), dbSNP rs139361486, ClinGen allele CA1636300.

ClinVar aggregate classification (germline): Benign/Likely benign. Review status: criteria provided, multiple submitters, no conflicts (2 of 4 stars). 6 submissions from 6 submitters: Benign (1); Likely benign (5). Last evaluated 2025-10-21.

Conditions:
Cardiovascular phenotype. Identifiers: MedGen CN230736.
Sitosterolemia (STSL). Also called: PHYTOSTEROLEMIA. Identifiers: Orphanet 2882, MedGen C0342907, MONDO:0008863.

Allele frequency attached by ClinVar (database versions not stated): gnomAD 0.00019 and 0.00023; TOPMed 0.00019; ESP Exome Variant Server 0.00023; 1000 Genomes Project 30x 0.00094; gnomAD exomes 0.00048 and 0.00019; 1000 Genomes Project 0.00100; ExAC 0.00048.
gnomAD v4.1: 330 of 1,614,044 alleles (0.02%); highest among the groups gnomAD compares: East Asian, 0.28%; 1 homozygote.

Submissions (6):

Labcorp Genetics (formerly Invitae), Labcorp
Classification: Benign for Sitosterolemia. Last evaluated: 2025-10-21. Review status: criteria provided, single submitter. Criteria: Invitae Variant Classification Sherloc (09022015). Collection method: clinical testing. Allele origin: germline.

Mayo Clinic Laboratories, Mayo Clinic
Classification: Likely benign. Last evaluated: 2025-05-14. Review status: criteria provided, single submitter. Criteria: ACMG Guidelines, 2015. Collection method: clinical testing. Allele origin: germline. Observed: 3 variant alleles.
Comment: BS1, BP4, BP7

Blueprint Genetics
Classification: Likely benign. Last evaluated: 2024-06-10. Review status: criteria provided, single submitter. Criteria: ACMG Guidelines, 2015. Collection method: clinical testing. Allele origin: germline.

Women's Health and Genetics/Laboratory Corporation of America, LabCorp
Classification: Likely benign. Last evaluated: 2024-03-17. Review status: criteria provided, single submitter. Criteria: LabCorp Variant Classification Summary - May 2015. Collection method: clinical testing. Allele origin: germline.

Ambry Genetics
Classification: Likely benign for Cardiovascular phenotype. Last evaluated: 2022-04-03. Review status: criteria provided, single submitter. Criteria: Ambry Variant Classification Scheme 2023. Collection method: clinical testing. Allele origin: germline.

Eurofins Ntd Llc (ga)
Classification: Likely benign. Last evaluated: 2017-03-23. Review status: criteria provided, single submitter. Criteria: EGL Classification Definitions 2015. Collection method: clinical testing. Allele origin: germline. Observed: 1 variant allele, 1 heterozygote.